The following is an entry in ClinVar:

ClinVar aggregate classification (germline): Conflicting classifications of pathogenicity. Review status: criteria provided, conflicting classifications (1 of 4 stars). 2 submissions from 2 submitters: Uncertain significance (1); Likely benign (1). Last evaluated 2025-07-06.

Conditions:
Cardiovascular phenotype. Identifiers: MedGen CN230736.
Hypertrophic cardiomyopathy 10. Also called: CARDIOMYOPATHY, HYPERTROPHIC, MID-LEFT VENTRICULAR CHAMBER TYPE, 2; MYL2-Related Familial Hypertrophic Cardiomyopathy. Identifiers: MedGen C1834460, MONDO:0012112, OMIM 608758.

Allele frequency attached by ClinVar (database versions not stated): TOPMed 0.00001.

Submissions (2):

Labcorp Genetics (formerly Invitae), Labcorp
Classification: Likely benign for Hypertrophic cardiomyopathy 10. Last evaluated: 2025-07-06. Review status: criteria provided, single submitter. Criteria: Invitae Variant Classification Sherloc (09022015). Collection method: clinical testing. Allele origin: germline.

Ambry Genetics
Classification: Uncertain significance for Cardiovascular phenotype. Last evaluated: 2024-12-20. Review status: criteria provided, single submitter. Criteria: Ambry Variant Classification Scheme 2023. Collection method: clinical testing. Allele origin: germline.
Comment: The c.4-5C>T intronic variant results from a C to T substitution 5 nucleotides upstream from coding exon 2 in the MYL2 gene. This nucleotide position is not well conserved in available vertebrate species. In silico splice site analysis predicts that this alteration will not have any significant effect on splicing. Based on the available evidence, the clinical significance of this variant remains unclear.

NM_000432.4(MYL2):c.4-5C>T

Genes: MYL2 (myosin light chain 2; minus strand), LOC114827850 (VISTA enhancer hs2149; plus strand). Cytogenetic location: 12q24.11.
Variant type: single nucleotide variant.
Coding change: c.4-5C>T on transcript NM_000432.4 (MANE Select); 5 bases into the intron before coding-DNA position 4, C replaced by T.
Molecular consequence: intron variant.
Genome position (GRCh38, 1-based): chr12:110,919,198, G>A on the plus strand (C>T on the coding strand, the complement: MYL2 is on the minus strand). VCF-style: chr12-110919198-G-A. GRCh37 (hg19) VCF-style: chr12-111357002-G-A.
Identifiers: ClinVar variation 415511 (VCV000415511.13), dbSNP rs374870836, ClinGen allele CA16613729.